The following is an entry in ClinVar:

NM_181776.3(SLC36A2):c.812C>T (p.Thr271Ile)

Gene: SLC36A2 (solute carrier family 36 member 2; minus strand). Cytogenetic location: 5q33.1.
Variant type: single nucleotide variant.
Coding change: c.812C>T on transcript NM_181776.3 (MANE Select); coding-DNA position 812, C replaced by T.
Protein change: p.Thr271Ile; replaces threonine 271 with isoleucine.
Molecular consequence: missense variant.
Genome position (GRCh38, 1-based): chr5:151,333,255, G>A on the plus strand (C>T on the coding strand, the complement: SLC36A2 is on the minus strand). VCF-style: chr5-151333255-G-A. GRCh37 (hg19) VCF-style: chr5-150712816-G-A.
Other names: short protein forms T271I.
Identifiers: ClinVar variation 3634829 (VCV003634829.2).

ClinVar aggregate classification (germline): Uncertain significance (1 of 4 stars; one submission).

gnomAD v4.1: 15 of 1,613,954 alleles (0.00093%); highest among the groups gnomAD compares: Admixed American, 0.023%; no homozygotes.

Submission:

Labcorp Genetics (formerly Invitae), Labcorp
Classification: Uncertain significance. Last evaluated: 2024-08-31. Review status: criteria provided, single submitter. Criteria: Invitae Variant Classification Sherloc (09022015). Collection method: clinical testing. Allele origin: germline.
Comment: This sequence change replaces threonine, which is neutral and polar, with isoleucine, which is neutral and non-polar, at codon 271 of the SLC36A2 protein (p.Thr271Ile). This variant is present in population databases (rs771861509, gnomAD 0.03%). This variant has not been reported in the literature in individuals affected with SLC36A2-related conditions. Invitae Evidence Modeling of protein sequence and biophysical properties (such as structural, functional, and spatial information, amino acid conservation, physicochemical variation, residue mobility, and thermodynamic stability) indicates that this missense variant is not expected to disrupt SLC36A2 protein function with a negative predictive value of 80%. In summary, the available evidence is currently insufficient to determine the role of this variant in disease. Therefore, it has been classified as a Variant of Uncertain Significance.